The following is an entry in ClinVar:

ClinVar aggregate classification (germline): Uncertain significance (1 of 4 stars; one submission).

Conditions:
DHDDS-related disorder. Also called: DHDDS-related condition.

Submission:

PreventionGenetics, part of Exact Sciences
Classification: Uncertain significance for DHDDS-related condition. Last evaluated: 2026-05-16. Review status: criteria provided, single submitter. Criteria: ACMG Guidelines, 2015. Collection method: clinical testing. Allele origin: germline.
Comment: The DHDDS c.157_158delCA variant is predicted to result in a frameshift and premature protein termination (p.Gln53Glyfs*7). To our knowledge, this variant has not been reported in the literature or in a large population database (gnomAD), indicating this variant is rare. At this time, the clinical significance of this variant is uncertain due to the absence of conclusive functional and genetic evidence.

NM_205861.3(DHDDS):c.157_158del (p.Gln53fs)

Gene: DHDDS (dehydrodolichyl diphosphate synthase subunit; plus strand). Cytogenetic location: 1p36.11.
Variant type: Microsatellite.
Coding change: c.157_158del on transcript NM_205861.3 (MANE Select); coding-DNA positions 157 to 158, 2 bases deleted (CA; older notation c.157_158delCA).
Protein change: p.Gln53fs; shifts the reading frame from glutamine 53.
Molecular consequence: frameshift variant. On other transcripts: 5 prime UTR variant (1).
Genome position (GRCh38, 1-based): chr1:26,438,261-26,438,262, CA deleted; deleting any 2 consecutive bases within chr1:26,438,259-26,438,262 gives the same sequence; the c. name uses the placement nearest the transcript's 3' end. VCF-style (leftmost placement, unchanged base first): chr1-26438258-TCA-T. GRCh37 (hg19) VCF-style: chr1-26764749-TCA-T.
Other names: c.157_158del, p.Gln53fs (NM_001243564.2, NM_001243565.2, NM_024887.4); c.-148CA[1] (NM_001319959.2); short protein forms Q53fs.
Identifiers: ClinVar variation 4997376 (VCV004997376.1).